The following is an entry in ClinVar:

ClinVar aggregate classification (germline): Likely benign. Review status: criteria provided, multiple submitters, no conflicts (2 of 4 stars). 5 submissions from 5 submitters: Likely benign (4). 1 of the submissions does not count toward it. Last evaluated 2025-11-18.

Conditions:
TTN-related disorder. Also called: TTN-related disorders; TTN-related condition; TTN-related disease.
Dilated cardiomyopathy 1G (CMD1G). Identifiers: Orphanet 154, MedGen C1858763, MONDO:0011400, OMIM 604145.
Autosomal recessive limb-girdle muscular dystrophy type 2J (LGMDR10). Also called: Limb-girdle muscular dystrophy, type 2J; MUSCULAR DYSTROPHY, LIMB-GIRDLE, AUTOSOMAL RECESSIVE 10. Identifiers: Orphanet 140922, MedGen C1837342, MONDO:0012127, OMIM 608807.

Allele frequency attached by ClinVar (database versions not stated): gnomAD 0.00001; gnomAD exomes 0.00001; TOPMed 0.00001.
gnomAD v4.1: 11 of 1,542,174 alleles (0.00071%); highest among the groups gnomAD compares: South Asian, 0.0052%; no homozygotes.

Submissions (5):

Labcorp Genetics (formerly Invitae), Labcorp
Classification: Likely benign for Dilated cardiomyopathy 1G; Autosomal recessive limb-girdle muscular dystrophy type 2J. Last evaluated: 2025-11-18. Review status: criteria provided, single submitter. Criteria: Invitae Variant Classification Sherloc (09022015). Collection method: clinical testing. Allele origin: germline.

Women's Health and Genetics/Laboratory Corporation of America, LabCorp
Classification: Likely benign. Last evaluated: 2025-06-12. Review status: criteria provided, single submitter. Criteria: LabCorp Variant Classification Summary - May 2015. Collection method: clinical testing. Allele origin: germline.

CeGaT Center for Human Genetics Tuebingen
Classification: Likely benign. Last evaluated: 2024-02-01. Review status: criteria provided, single submitter. Criteria: CeGaT Center For Human Genetics Tuebingen Variant Classification Criteria Version 2. Collection method: clinical testing. Allele origin: germline. Affected: yes. Observed: 2 variant alleles.
Comment: TTN: BP4

GeneDx
Classification: Likely benign. Last evaluated: 2020-02-03. Review status: criteria provided, single submitter. Criteria: GeneDx Variant Classification Process June 2021. Collection method: clinical testing. Allele origin: germline. Affected: yes.

PreventionGenetics, part of Exact Sciences
Classification: Likely benign for TTN-related condition. Last evaluated: 2022-06-08. Review status: no assertion criteria provided. Collection method: clinical testing. Allele origin: germline. Not counted in ClinVar's aggregate classification.
Comment: This variant is classified as likely benign based on ACMG/AMP sequence variant interpretation guidelines (Richards et al. 2015 PMID: 25741868, with internal and published modifications).

NM_001267550.2(TTN):c.34593G>A (p.Glu11531=)

Gene: TTN (titin; minus strand). Cytogenetic location: 2q31.2.
Variant type: single nucleotide variant.
Coding change: c.34593G>A on transcript NM_001267550.2 (MANE Select); coding-DNA position 34593, G replaced by A.
Protein change: p.Glu11531=; no amino-acid change (glutamic acid 11531 retained).
Molecular consequence: synonymous variant. On other transcripts: intron variant (3).
Genome position (GRCh38, 1-based): chr2:178,675,058, C>T on the plus strand (G>A on the coding strand, the complement: TTN is on the minus strand). VCF-style: chr2-178675058-C-T. GRCh37 (hg19) VCF-style: chr2-179539785-C-T.
Other names: c.33471G>A, p.Glu11157= (NM_001256850.1); c.30690G>A, p.Glu10230= (NM_133378.4); c.13283-32741G>A (NM_003319.4); c.13859-32741G>A (NM_133437.4); c.13658-32741G>A (NM_133432.3).
Identifiers: ClinVar variation 809027 (VCV000809027.49), dbSNP rs1487793268, ClinGen allele CA430124718.